The following is an entry in ClinVar:

ClinVar aggregate classification (germline): Pathogenic (1 of 4 stars; one submission).

Conditions:
Hereditary nonpolyposis colorectal neoplasms. Identifiers: MedGen C0009405, MeSH D003123.

Submission:

Labcorp Genetics (formerly Invitae), Labcorp
Classification: Pathogenic for Hereditary nonpolyposis colorectal neoplasms. Last evaluated: 2023-08-08. Review status: criteria provided, single submitter. Criteria: Invitae Variant Classification Sherloc (09022015). Collection method: clinical testing. Allele origin: germline.
Comment: This sequence change creates a premature translational stop signal (p.Ser123Phefs*16) in the PMS2 gene. It is expected to result in an absent or disrupted protein product. Loss-of-function variants in PMS2 are known to be pathogenic (PMID: 21376568, 24362816). This variant is not present in population databases (gnomAD no frequency). This variant has not been reported in the literature in individuals affected with PMS2-related conditions. For these reasons, this variant has been classified as Pathogenic.

Literature cited by the submitters: PubMed 21376568; PubMed 24362816.

NM_000535.7(PMS2):c.367dup (p.Ser123fs)

Gene: PMS2 (PMS1 homolog 2, mismatch repair system component; minus strand). Cytogenetic location: 7p22.1.
Variant type: Duplication.
Coding change: c.367dup on transcript NM_000535.7 (MANE Select); coding-DNA position 367, one base duplicated (T; older notation c.367dupT).
Protein change: p.Ser123fs; shifts the reading frame from serine 123.
Molecular consequence: frameshift variant. On other transcripts: 5 prime UTR variant (29), non-coding transcript variant (1), intron variant (1).
Genome position (GRCh38, 1-based): chr7:6,002,623, A duplicated on the plus strand (T on the coding strand, the reverse complement: PMS2 is on the minus strand); the first of 3 consecutive A bases (chr7:6,002,623-6,002,625); duplicating any one gives the same sequence. VCF-style (leftmost placement, unchanged base first): chr7-6002622-G-GA. GRCh37 (hg19) VCF-style: chr7-6042253-G-GA.
Other names: c.-39dup (NM_001322004.2, NM_001322005.2, NM_001322009.2 and 24 more transcripts); c.367dup, p.Ser123fs (NM_001322006.2, NM_001322014.2, NM_001406869.1 and 8 more transcripts); c.49dup, p.Ser17fs (NM_001322007.2, NM_001322008.2, NM_001406876.1 and 4 more transcripts); c.-518dup (NM_001322011.2, NM_001322012.2); c.58dup, p.Ser20fs (NM_001322015.2, NM_001406875.1, NM_001406877.1 and 6 more transcripts); c.553dup, p.Ser185fs (NM_001406866.1); c.391dup, p.Ser131fs (NM_001406868.1); c.-41dup (NM_001018040.1); and 1 more; short protein forms S123fs, S131fs, S185fs, S17fs, S20fs.
Identifiers: ClinVar variation 2751205 (VCV002751205.3), dbSNP rs2536455432, ClinGen allele CA2697557108.